The following is an entry in ClinVar:

NM_013352.4(DSE):c.420G>C (p.Leu140Phe)

Gene: DSE (dermatan sulfate epimerase; plus strand). Cytogenetic location: 6q22.1.
Variant type: single nucleotide variant.
Coding change: c.420G>C on transcript NM_013352.4 (MANE Select); coding-DNA position 420, G replaced by C.
Protein change: p.Leu140Phe; replaces leucine 140 with phenylalanine.
Molecular consequence: missense variant. On other transcripts: 5 prime UTR variant (4), non-coding transcript variant (1).
Genome position (GRCh38, 1-based): chr6:116,426,577, G>C. VCF-style: chr6-116426577-G-C. GRCh37 (hg19) VCF-style: chr6-116747740-G-C.
Other names: c.420G>C, p.Leu140Phe (NM_001080976.3, NM_001322937.2, NM_001322938.2 and 3 more transcripts); c.477G>C, p.Leu159Phe (NM_001322939.2); c.-142G>C (NM_001322940.2, NM_001322941.2); c.-481G>C (NM_001374520.1); c.-168G>C (NM_001374521.1); short protein forms L140F, L159F.
Identifiers: ClinVar variation 2046992 (VCV002046992.5), dbSNP rs2482242741, ClinGen allele CA365388759.

ClinVar aggregate classification (germline): Uncertain significance. Review status: criteria provided, multiple submitters, no conflicts (2 of 4 stars). 2 submissions from 2 submitters: Uncertain significance (2). Last evaluated 2022-07-09.

Conditions:
Ehlers-Danlos syndrome, musculocontractural type 2 (EDSMC2). Identifiers: Orphanet 2953, MedGen C3809845, MONDO:0014236, OMIM 615539.

Submissions (2):

Labcorp Genetics (formerly Invitae), Labcorp
Classification: Uncertain significance for Ehlers-Danlos syndrome, musculocontractural type 2. Last evaluated: 2022-07-09. Review status: criteria provided, single submitter. Criteria: Invitae Variant Classification Sherloc (09022015). Collection method: clinical testing. Allele origin: germline.
Comment: This sequence change replaces leucine, which is neutral and non-polar, with phenylalanine, which is neutral and non-polar, at codon 140 of the DSE protein (p.Leu140Phe). This variant is not present in population databases (gnomAD no frequency). This variant has not been reported in the literature in individuals affected with DSE-related conditions. Algorithms developed to predict the effect of missense changes on protein structure and function are either unavailable or do not agree on the potential impact of this missense change (SIFT: "Not Available"; PolyPhen-2: "Probably Damaging"; Align-GVGD: "Not Available"). In summary, the available evidence is currently insufficient to determine the role of this variant in disease. Therefore, it has been classified as a Variant of Uncertain Significance.

Blueprint Genetics
Classification: Uncertain significance. Last evaluated: 2018-12-21. Review status: criteria provided, single submitter. Criteria: ACMG Guidelines, 2015. Collection method: clinical testing. Allele origin: germline.